The following is an entry in ClinVar:

ClinVar aggregate classification (germline): Pathogenic (1 of 4 stars; one submission).

Submission:

Quest Diagnostics Nichols Institute San Juan Capistrano
Classification: Pathogenic. Last evaluated: 2023-07-07. Review status: criteria provided, single submitter. Criteria: ACMG/ClinGen CNV Guidelines, 2019. Collection method: clinical testing. Allele origin: unknown.
Comment: This loss falls within the region associated with 13q33-q34 deletion syndrome (OMIM 619148). Deletions similar to and smaller than the current interval have been reported (Huang 2012, McMahon 2015, Orsini 2018, Reinstein 2016, Sagi-Dain 2019). ARHGEF7, SOX1, CHAMP1. COL4A1, and COL4A2 have been proposed as candidate genes for various features (Kirchhoff 2009, Orsini 2018, Walczak-Sztulpa 2008, McMahon 2015). There are no similar copy number losses of this region in the general populations of the Database of Genomic Variants. Thus, based on gene count and current medical literature, this copy number variant (CNV) is classified as pathogenic. References: Huang et al., Gene. 2012 May 1;498(2):308-10. PMID: 22366306; Kirchhoff et al., Am J Med Genet A. 2009 May;149A(5):894-905. PMID: 19363806; Liao et al., J Med Case Rep. 2011 Mar 11;5:99. PMID: 21396087; McMahon et al., Am J Med Genet A. 2015 May;167A(5):1134-41. PMID: 25810372; Orsini et al., Seizure. 2018 Jul;59:38-40. PMID: 29734022; Reinstein et al. Mol Genet Metab. 2016 May;118(1):60-3. PMID: 27067448; Sagi-Dain et al., Hum Genet. 2019 Oct;138(10):1145-1153. PMID: 31321490; Su et al., Genet Mol Res. 2013 Apr 25;12(2):1311-7. PMID: 23661454; Uwineza et al., Genet Couns. 2013;24(2):193-200. PMID: 24032290; Walczak-Sztulpa, et al., Am J Med Genet A. 2008 Feb 1;146(3):337-42 PMID: 18203171

GRCh37/hg19 13q33.3-34(chr13:108083664-115107733)x1

Genes: ANKRD10-IT1 (ANKRD10 intronic transcript 1), ARHGEF7 (Rho guanine nucleotide exchange factor 7; plus strand), ATP11A (ATPase phospholipid transporting 11A; plus strand), ATP11AUN (ATP11A upstream neighbor lncRNA; plus strand), ATP4B (ATPase H+/K+ transporting subunit beta; minus strand) and 37 more. Cytogenetic location: 13q33.3-34.
Variant type: copy number loss.
Change: copy number 1 (one copy instead of two) of chr13:108,083,664-115,107,733 (7.02 Mb, GRCh37 coordinates, 1-based), cytogenetic band 13q33.3-34.
Identifiers: ClinVar variation 564077 (VCV000564077.1).